The following is an entry in ClinVar:

ClinVar aggregate classification (germline): Uncertain significance. Review status: criteria provided, multiple submitters, no conflicts (2 of 4 stars). 2 submissions from 2 submitters: Uncertain significance (2). Last evaluated 2025-10-21.

Conditions:
Marinesco-Sjögren syndrome (MSS). Also called: Marinesco-SjÃ¶gren syndrome; Marinesco-Sjogren Syndrome. Identifiers: Orphanet 559, MedGen C0024814, MONDO:0009567, OMIM 248800.

Allele frequency attached by ClinVar (database versions not stated): gnomAD 0.00003; TOPMed 0.00003.
gnomAD v4.1: 46 of 1,614,012 alleles (0.0029%); highest among the groups gnomAD compares: Middle Eastern, 0.017%; no homozygotes.

Submissions (2):

Athena Diagnostics
Classification: Uncertain significance. Last evaluated: 2025-10-21. Review status: criteria provided, single submitter. Criteria: Athena Diagnostics Criteria. Collection method: clinical testing. Allele origin: unknown.
Comment: Available data are insufficient to determine the clinical significance of the variant at this time. The frequency of this variant in the general population is uninformative in assessment of its pathogenicity. Polyphen and MutationTaster yielded discordant predictions regarding whether this amino acid change is damaging to the protein.

Revvity Omics, Revvity
Classification: Uncertain significance for Marinesco-Sjögren syndrome. Last evaluated: 2021-10-06. Review status: criteria provided, single submitter. Criteria: ACMG Guidelines, 2015. Collection method: clinical testing. Allele origin: germline.

NM_022464.5(SIL1):c.218C>T (p.Thr73Met)

Gene: SIL1 (SIL1 nucleotide exchange factor; minus strand). Cytogenetic location: 5q31.2.
Variant type: single nucleotide variant.
Coding change: c.218C>T on transcript NM_022464.5 (MANE Select); coding-DNA position 218, C replaced by T.
Protein change: p.Thr73Met; replaces threonine 73 with methionine.
Molecular consequence: missense variant.
Genome position (GRCh38, 1-based): chr5:139,121,061, G>A on the plus strand (C>T on the coding strand, the complement: SIL1 is on the minus strand). VCF-style: chr5-139121061-G-A. GRCh37 (hg19) VCF-style: chr5-138456750-G-A.
Other names: c.218C>T, p.Thr73Met (NM_001037633.2); c.218C>T (NM_022464.4); short protein forms T73M.
Identifiers: ClinVar variation 2435940 (VCV002435940.4), dbSNP rs371005800, ClinGen allele CA128723886.